The following is an entry in ClinVar:

NM_024675.4(PALB2):c.635C>G (p.Pro212Arg)

Gene: PALB2 (partner and localizer of BRCA2; minus strand). Cytogenetic location: 16p12.2.
Variant type: single nucleotide variant.
Coding change: c.635C>G on transcript NM_024675.4 (MANE Select); coding-DNA position 635, C replaced by G.
Protein change: p.Pro212Arg; replaces proline 212 with arginine.
Molecular consequence: missense variant.
Genome position (GRCh38, 1-based): chr16:23,635,911, G>C on the plus strand (C>G on the coding strand, the complement: PALB2 is on the minus strand). VCF-style: chr16-23635911-G-C. GRCh37 (hg19) VCF-style: chr16-23647232-G-C.
Other names: short protein forms P212R.
Identifiers: ClinVar variation 410121 (VCV000410121.15), dbSNP rs1060502742, ClinGen allele CA16614870.

ClinVar aggregate classification (germline): Uncertain significance. Review status: criteria provided, multiple submitters, no conflicts (2 of 4 stars). 2 submissions from 2 submitters: Uncertain significance (2). Last evaluated 2025-06-02.

Conditions:
Hereditary cancer-predisposing syndrome. Also called: Tumor predisposition; Hereditary Cancer Syndrome; Hereditary neoplastic syndrome; Neoplastic Syndromes, Hereditary. Identifiers: Orphanet 140162, MedGen C0027672, MeSH D009386, MONDO:0015356.
Familial cancer of breast. Also called: BREAST CANCER, FAMILIAL; Hereditary breast cancer; hereditary breast carcinoma. Identifiers: Orphanet 227535, MedGen C0346153, MONDO:0016419, OMIM 114480. Disease mechanism: loss of function.

Submissions (2):

Ambry Genetics
Classification: Uncertain significance for Hereditary cancer-predisposing syndrome. Last evaluated: 2025-06-02. Review status: criteria provided, single submitter. Criteria: Ambry Variant Classification Scheme 2023. Collection method: clinical testing. Allele origin: germline.
Comment: The p.P212R variant (also known as c.635C>G), located in coding exon 4 of the PALB2 gene, results from a C to G substitution at nucleotide position 635. The proline at codon 212 is replaced by arginine, an amino acid with dissimilar properties. This amino acid position is conserved. In addition, this alteration is predicted to be tolerated by in silico analysis. Since supporting evidence is limited at this time, the clinical significance of this alteration remains unclear.

Labcorp Genetics (formerly Invitae), Labcorp
Classification: Uncertain significance for Familial cancer of breast. Last evaluated: 2024-04-10. Review status: criteria provided, single submitter. Criteria: Invitae Variant Classification Sherloc (09022015). Collection method: clinical testing. Allele origin: germline.
Comment: This sequence change replaces proline, which is neutral and non-polar, with arginine, which is basic and polar, at codon 212 of the PALB2 protein (p.Pro212Arg). This variant is not present in population databases (gnomAD no frequency). This variant has not been reported in the literature in individuals affected with PALB2-related conditions. ClinVar contains an entry for this variant (Variation ID: 410121). An algorithm developed to predict the effect of missense changes on protein structure and function (PolyPhen-2) suggests that this variant is likely to be disruptive. In summary, the available evidence is currently insufficient to determine the role of this variant in disease. Therefore, it has been classified as a Variant of Uncertain Significance.